The following is an entry in ClinVar:

NM_001035.3(RYR2):c.14151+4A>G

Gene: RYR2 (ryanodine receptor 2; plus strand). Cytogenetic location: 1q43.
Variant type: single nucleotide variant.
Coding change: c.14151+4A>G on transcript NM_001035.3 (MANE Select); 4 bases into the intron after coding-DNA position 14151, A replaced by G.
Molecular consequence: intron variant.
Genome position (GRCh38, 1-based): chr1:237,801,920, A>G. VCF-style: chr1-237801920-A-G. GRCh37 (hg19) VCF-style: chr1-237965220-A-G.
Identifiers: ClinVar variation 1332222 (VCV001332222.7), dbSNP rs2149419707, ClinGen allele CA2573051534.
Genomic context (GRCh38, chr1:237,801,920, plus strand): 5'-AACTCCATTGATGTGAAGTATCAGATGTGGAAACTAGGAGTCGTTTTCACTGACAACGTA[A>G]GCCTACTTCATTATCACAAAAGAAAATGCACTCTGATTAGATAAGACTGTGGGAGTTCTG-3'

ClinVar aggregate classification (germline): Uncertain significance. Review status: criteria provided, multiple submitters, no conflicts (2 of 4 stars). 2 submissions from 2 submitters: Uncertain significance (2). Last evaluated 2023-11-27.

Conditions:
Cardiomyopathy (CMYO). Also called: Cardiomyopathies. Identifiers: Orphanet 167848, MedGen C0878544, MONDO:0004994, HP:0001638. Inheritance: Various modes of inheritance.
Catecholaminergic polymorphic ventricular tachycardia 1. Also called: VENTRICULAR TACHYCARDIA, CATECHOLAMINERGIC POLYMORPHIC, 1, WITH OR WITHOUT ATRIAL DYSFUNCTION AND/OR DILATED CARDIOMYOPATHY; VENTRICULAR TACHYCARDIA, STRESS-INDUCED POLYMORPHIC 1; RYR2-Related Catecholaminergic Polymorphic Ventricular Tachycardia. Identifiers: Orphanet 3286, MedGen C1631597, MONDO:0011484, OMIM 604772.

Submissions (2):

Labcorp Genetics (formerly Invitae), Labcorp
Classification: Uncertain significance for Catecholaminergic polymorphic ventricular tachycardia 1. Last evaluated: 2023-11-27. Review status: criteria provided, single submitter. Criteria: Invitae Variant Classification Sherloc (09022015). Collection method: clinical testing. Allele origin: germline.
Comment: This sequence change falls in intron 98 of the RYR2 gene. It does not directly change the encoded amino acid sequence of the RYR2 protein. It affects a nucleotide within the consensus splice site. This variant is not present in population databases (gnomAD no frequency). This variant has not been reported in the literature in individuals affected with RYR2-related conditions. ClinVar contains an entry for this variant (Variation ID: 1332222). Variants that disrupt the consensus splice site are a relatively common cause of aberrant splicing (PMID: 17576681, 9536098). Algorithms developed to predict the effect of sequence changes on RNA splicing suggest that this variant may disrupt the consensus splice site. In summary, the available evidence is currently insufficient to determine the role of this variant in disease. Therefore, it has been classified as a Variant of Uncertain Significance.

Color Diagnostics, LLC DBA Color Health
Classification: Uncertain significance for Cardiomyopathy. Last evaluated: 2021-05-17. Review status: criteria provided, single submitter. Criteria: ACMG Guidelines, 2015. Collection method: clinical testing. Allele origin: germline.
Comment: This variant causes an A to G nucleotide substitution at the +4 position of intron 98 of the RYR2 gene. Splice site prediction tools predict that this variant may have a significant impact on RNA splicing. To our knowledge, functional studies have not been reported for this variant. This variant has not been reported in individuals affected with cardiovascular disorders in the literature. This variant has not been identified in the general population by the Genome Aggregation Database (gnomAD). The available evidence is insufficient to determine the role of this variant in disease conclusively. Therefore, this variant is classified as a Variant of Uncertain Significance.

Literature cited by the submitters: PubMed 17576681 (cited by Labcorp Genetics (formerly Invitae), Labcorp); PubMed 9536098 (cited by Labcorp Genetics (formerly Invitae), Labcorp).